The following is an entry in ClinVar:

ClinVar aggregate classification (germline): Uncertain significance (1 of 4 stars; one submission).

Conditions:
Capillary malformation-arteriovenous malformation syndrome. Also called: Capillary malformation-arteriovenous malformation. Identifiers: Orphanet 137667, MedGen C1842180, MONDO:0012016.

gnomAD v4.1: 2 of 1,613,920 alleles (0.00012%); highest among the groups gnomAD compares: African/African-American, 0.0027%; no homozygotes.

Submission:

Labcorp Genetics (formerly Invitae), Labcorp
Classification: Uncertain significance for Capillary malformation-arteriovenous malformation syndrome. Last evaluated: 2024-09-27. Review status: criteria provided, single submitter. Criteria: Invitae Variant Classification Sherloc (09022015). Collection method: clinical testing. Allele origin: germline.
Comment: This sequence change replaces glycine, which is neutral and non-polar, with arginine, which is basic and polar, at codon 109 of the RASA1 protein (p.Gly109Arg). This variant is not present in population databases (gnomAD no frequency). This variant has not been reported in the literature in individuals affected with RASA1-related conditions. An algorithm developed to predict the effect of missense changes on protein structure and function (PolyPhen-2) suggests that this variant is likely to be disruptive. In summary, the available evidence is currently insufficient to determine the role of this variant in disease. Therefore, it has been classified as a Variant of Uncertain Significance.

NM_002890.3(RASA1):c.325G>A (p.Gly109Arg)

Gene: RASA1 (RAS p21 protein activator 1; plus strand). Cytogenetic location: 5q14.3.
Variant type: single nucleotide variant.
Coding change: c.325G>A on transcript NM_002890.3 (MANE Select); coding-DNA position 325, G replaced by A.
Protein change: p.Gly109Arg; replaces glycine 109 with arginine.
Molecular consequence: missense variant.
Genome position (GRCh38, 1-based): chr5:87,268,776, G>A. VCF-style: chr5-87268776-G-A. GRCh37 (hg19) VCF-style: chr5-86564593-G-A.
Other names: short protein forms G109R.
Identifiers: ClinVar variation 3667546 (VCV003667546.2).